The following is an entry in ClinVar:

NM_201384.3(PLEC):c.3016C>T (p.Arg1006Cys)

Gene: PLEC (plectin; minus strand). Cytogenetic location: 8q24.3.
Variant type: single nucleotide variant.
Coding change: c.3016C>T on transcript NM_201384.3 (MANE Select); coding-DNA position 3016, C replaced by T.
Protein change: p.Arg1006Cys; replaces arginine 1006 with cysteine.
Molecular consequence: missense variant.
Genome position (GRCh38, 1-based): chr8:143,929,479, G>A on the plus strand (C>T on the coding strand, the complement: PLEC is on the minus strand). VCF-style: chr8-143929479-G-A. GRCh37 (hg19) VCF-style: chr8-145003647-G-A.
Other names: c.3097C>T (NM_000445.3); c.3097C>T, p.Arg1033Cys (NM_000445.5); c.2974C>T, p.Arg992Cys (NM_201378.4); c.2950C>T, p.Arg984Cys (NM_201379.3); c.3427C>T, p.Arg1143Cys (NM_201380.4); c.2920C>T, p.Arg974Cys (NM_201381.3); c.3016C>T, p.Arg1006Cys (NM_201382.4); c.3028C>T, p.Arg1010Cys (NM_201383.3); short protein forms R1006C, R1010C, R1143C, R974C, R984C, R992C, R1033C.
Identifiers: ClinVar variation 566336 (VCV000566336.12), dbSNP rs200484638, ClinGen allele CA4927258.

ClinVar aggregate classification (germline): Uncertain significance. Review status: criteria provided, multiple submitters, no conflicts (2 of 4 stars). 3 submissions from 3 submitters: Uncertain significance (3). Last evaluated 2025-10-29.

Conditions:
Epidermolysis bullosa simplex, Ogna type (EBS5A). Also called: Pidermolysis bullosa simplex 5A, Ogna type; EPIDERMOLYSIS BULLOSA SIMPLEX 5A, OGNA TYPE. Identifiers: Orphanet 79401, MedGen C0432317, MONDO:0007555, OMIM 131950.
Autosomal recessive limb-girdle muscular dystrophy type 2Q (LGMDR17). Also called: MUSCULAR DYSTROPHY, LIMB-GIRDLE, AUTOSOMAL RECESSIVE 17. Identifiers: Orphanet 254361, MedGen C3150989, MONDO:0013390, OMIM 613723.
Epidermolysis bullosa simplex 5C, with pyloric atresia (EBS5C). Also called: PLEC-Related Epidermolysis Bullosa with Pyloric Atresia; Epidermolysis bullosa simplex with pyloric atresia; PLEC1-Related Epidermolysis Bullosa with Pyloric Atresia. Identifiers: Orphanet 158684, MedGen C2677349, MONDO:0012807, OMIM 612138.
Epidermolysis bullosa simplex 5B, with muscular dystrophy (EBS5B). Also called: EPIDERMOLYSIS BULLOSA SIMPLEX AND LIMB-GIRDLE MUSCULAR DYSTROPHY; Epidermolysis bullosa simplex with muscular dystrophy. Identifiers: Orphanet 257, MedGen C2931072, MONDO:0009181, OMIM 226670.
Epidermolysis bullosa simplex with nail dystrophy (EBS5D). Identifiers: MedGen C4225309, MONDO:0014661, OMIM 616487.
Inborn genetic diseases. Identifiers: MedGen C0950123, MeSH D030342.

Allele frequency attached by ClinVar (database versions not stated): gnomAD exomes 0.00004 and 0.00009; gnomAD 0.00005 and 0.00006; TOPMed 0.00007; ExAC 0.00009; 1000 Genomes Project 30x 0.00016; 1000 Genomes Project 0.00020.
gnomAD v4.1: 64 of 1,603,268 alleles (0.004%); highest among the groups gnomAD compares: Admixed American, 0.044%; no homozygotes.

Submissions (3):

Labcorp Genetics (formerly Invitae), Labcorp
Classification: Uncertain significance for Autosomal recessive limb-girdle muscular dystrophy type 2Q; Epidermolysis bullosa simplex, Ogna type; Epidermolysis bullosa simplex with nail dystrophy; Epidermolysis bullosa simplex 5C, with pyloric atresia; Epidermolysis bullosa simplex 5B, with muscular dystrophy. Last evaluated: 2025-10-29. Review status: criteria provided, single submitter. Criteria: Invitae Variant Classification Sherloc (09022015). Collection method: clinical testing. Allele origin: germline.
Comment: This sequence change replaces arginine, which is basic and polar, with cysteine, which is neutral and slightly polar, at codon 1033 of the PLEC protein (p.Arg1033Cys). This variant is present in population databases (rs200484638, gnomAD 0.05%). This variant has not been reported in the literature in individuals affected with PLEC-related conditions. ClinVar contains an entry for this variant (Variation ID: 566336). Invitae Evidence Modeling of protein sequence and biophysical properties (such as structural, functional, and spatial information, amino acid conservation, physicochemical variation, residue mobility, and thermodynamic stability) indicates that this missense variant is not expected to disrupt PLEC protein function with a negative predictive value of 80%. In summary, the available evidence is currently insufficient to determine the role of this variant in disease. Therefore, it has been classified as a Variant of Uncertain Significance.

Revvity Omics, Revvity
Classification: Uncertain significance. Last evaluated: 2023-02-27. Review status: criteria provided, single submitter. Criteria: ACMG Guidelines, 2015. Collection method: clinical testing. Allele origin: germline.

Ambry Genetics
Classification: Uncertain significance for Inborn genetic diseases. Last evaluated: 2021-09-16. Review status: criteria provided, single submitter. Criteria: Ambry Variant Classification Scheme 2023. Collection method: clinical testing. Allele origin: germline.